The following is an entry in ClinVar:

ClinVar aggregate classification (germline): Likely benign (1 of 4 stars; one submission).

gnomAD v4.1: 26 of 1,613,144 alleles (0.0016%); highest among the groups gnomAD compares: Admixed American, 0.005%; no homozygotes.

Submission:

Women's Health and Genetics/Laboratory Corporation of America, LabCorp
Classification: Likely benign. Last evaluated: 2025-06-10. Review status: criteria provided, single submitter. Criteria: LabCorp Variant Classification Summary - May 2015. Collection method: clinical testing. Allele origin: germline.
Comment: Variant summary: PLEKHG2 c.2172G>A results in a synonymous change. Consensus agreement among computation tools predict no significant impact on normal splicing. However, these predictions have yet to be confirmed by functional studies. The variant allele was found at a frequency of 8e-06 in 250394 control chromosomes (gnomAD). The available data on variant occurrences in the general population are insufficient to allow any conclusion about variant significance. To our knowledge, no occurrence of c.2172G>A in individuals affected with Leukodystrophy And Acquired Microcephaly With Or Without Dystonia and no experimental evidence demonstrating its impact on protein function have been reported. No submitters have cited clinical-significance assessments for this variant to ClinVar. Based on the evidence outlined above, the variant was classified as likely benign.

NM_022835.3(PLEKHG2):c.2172G>A (p.Pro724=)

Gene: PLEKHG2 (pleckstrin homology and RhoGEF domain containing G2; plus strand). Cytogenetic location: 19q13.2.
Variant type: single nucleotide variant.
Coding change: c.2172G>A on transcript NM_022835.3 (MANE Select); coding-DNA position 2172, G replaced by A.
Protein change: p.Pro724=; no amino-acid change (proline 724 retained).
Molecular consequence: synonymous variant. On other transcripts: intron variant (1).
Genome position (GRCh38, 1-based): chr19:39,423,226, G>A. VCF-style: chr19-39423226-G-A. GRCh37 (hg19) VCF-style: chr19-39913866-G-A.
Other names: c.1995G>A, p.Pro665= (NM_001351693.2); c.1677+938G>A (NM_001351694.2).
Identifiers: ClinVar variation 3907231 (VCV003907231.1).
Genomic context (GRCh38, chr19:39,423,226, plus strand): 5'-GGCTCCAGCCACCAGGAGAGAACTGTTTTCTGGGAGCAATCCTGGGAAACTGGGAGAGCC[G>A]CCTTCAGGAGGCAAGGCAGGGCCAGAGGAGGATGAAGAAGGGGTATCATTCACAGACTTC-3'
Protein context (NP_073746.2, residues 714-734): SGSNPGKLGE[Pro724=]PSGGKAGPEE